The following is an entry in ClinVar:

NM_000088.4(COL1A1):c.1056+1G>T

Gene: COL1A1 (collagen type I alpha 1 chain; minus strand). Cytogenetic location: 17q21.33.
Variant type: single nucleotide variant.
Coding change: c.1056+1G>T on transcript NM_000088.4 (MANE Select); the canonical splice donor site of the intron after coding-DNA position 1056, G replaced by T.
Molecular consequence: splice donor variant.
Genome position (GRCh38, 1-based): chr17:50,195,922, C>A on the plus strand (G>T on the coding strand, the complement: COL1A1 is on the minus strand). VCF-style: chr17-50195922-C-A. GRCh37 (hg19) VCF-style: chr17-48273283-C-A.
Identifiers: ClinVar variation 3724680 (VCV003724680.2).

ClinVar aggregate classification (germline): Pathogenic (1 of 4 stars; one submission).

Conditions:
Osteogenesis imperfecta type I (OI1). Also called: Lobstein's Disease; Lobstein disease; Classic Non-deforming Osteogenesis Imperfecta with Blue Sclerae; OI, TYPE I; OSTEOGENESIS IMPERFECTA TARDA; OSTEOGENESIS IMPERFECTA WITH BLUE SCLERAE. Identifiers: Orphanet 216796, Orphanet 666, MedGen C0023931, MONDO:0008146, OMIM 166200. Disease mechanism: loss of function.

Submission:

Labcorp Genetics (formerly Invitae), Labcorp
Classification: Pathogenic for Osteogenesis imperfecta type I. Last evaluated: 2025-10-03. Review status: criteria provided, single submitter. Criteria: Invitae Variant Classification Sherloc (09022015). Collection method: clinical testing. Allele origin: germline.
Comment: This sequence change affects a donor splice site in intron 16 of the COL1A1 gene. It is expected to disrupt RNA splicing. Variants that disrupt the donor or acceptor splice site typically lead to a loss of protein function (PMID: 16199547), and loss-of-function variants in COL1A1 are known to be pathogenic (PMID: 7942841, 9295084, 9443882). This variant is not present in population databases (gnomAD no frequency). Disruption of this splice site has been observed in individual(s) with osteogenesis imperfecta (PMID: 17078022, 30715774). ClinVar contains an entry for this variant (Variation ID: 3724680). Algorithms developed to predict the effect of sequence changes on RNA splicing suggest that this variant may disrupt the consensus splice site. For these reasons, this variant has been classified as Pathogenic.

Literature cited by the submitters: PubMed 16199547; PubMed 7942841; PubMed 9295084; PubMed 9443882; PubMed 17078022; PubMed 30715774.